The following is an entry in ClinVar:

NM_014049.5(ACAD9):c.1667T>C (p.Ile556Thr)

Genes: ACAD9 (acyl-CoA dehydrogenase family member 9; plus strand), CFAP92 (cilia and flagella associated protein 92 (putative); minus strand). Cytogenetic location: 3q21.3.
Variant type: single nucleotide variant.
Coding change: c.1667T>C on transcript NM_014049.5 (MANE Select); coding-DNA position 1667, T replaced by C.
Protein change: p.Ile556Thr; replaces isoleucine 556 with threonine.
Molecular consequence: missense variant. On other transcripts: non-coding transcript variant (1), 3 prime UTR variant (3).
Genome position (GRCh38, 1-based): chr3:128,910,124, T>C. VCF-style: chr3-128910124-T-C. GRCh37 (hg19) VCF-style: chr3-128628967-T-C.
Other names: p.I556T:ATT>ACT; p.Ile556Thr; c.1298T>C, p.Ile433Thr (NM_001410805.1); c.*175A>G (NM_001348520.2, NM_001348521.2, NM_001394090.1); short protein forms I556T, I433T.
Identifiers: ClinVar variation 213993 (VCV000213993.12), dbSNP rs548405278, ClinGen allele CA323147.

ClinVar aggregate classification (germline): Conflicting classifications of pathogenicity. Review status: criteria provided, conflicting classifications (1 of 4 stars). 4 submissions from 4 submitters: Uncertain significance (2); Likely benign (2). Last evaluated 2025-07-21.

Conditions:
Inborn genetic diseases. Identifiers: MedGen C0950123, MeSH D030342.

Allele frequency attached by ClinVar (database versions not stated): gnomAD exomes 0.00002 and 0.00005; TOPMed 0.00002; gnomAD 0.00005 and 0.00007; ExAC 0.00008; 1000 Genomes Project 30x 0.00016; 1000 Genomes Project 0.00020.
gnomAD v4.1: 42 of 1,614,050 alleles (0.0026%); highest among the groups gnomAD compares: South Asian, 0.02%; 1 homozygote.

Submissions (4):

Labcorp Genetics (formerly Invitae), Labcorp
Classification: Likely benign. Last evaluated: 2025-07-21. Review status: criteria provided, single submitter. Criteria: Invitae Variant Classification Sherloc (09022015). Collection method: clinical testing. Allele origin: germline.

Ambry Genetics
Classification: Uncertain significance for Inborn genetic diseases. Last evaluated: 2023-12-12. Review status: criteria provided, single submitter. Criteria: Ambry Variant Classification Scheme 2023. Collection method: clinical testing. Allele origin: germline.

Mayo Clinic Laboratories, Mayo Clinic
Classification: Uncertain significance. Last evaluated: 2023-10-13. Review status: criteria provided, single submitter. Criteria: ACMG Guidelines, 2015. Collection method: clinical testing. Allele origin: germline. Observed: 1 variant allele.
Comment: BP4

GeneDx
Classification: Likely benign. Last evaluated: 2013-08-30. Review status: criteria provided, single submitter. Criteria: GeneDx Variant Classification (06012015). Collection method: clinical testing. Allele origin: germline. Affected: yes.
Comment: This variant is considered likely benign or benign based on one or more of the following criteria: it is a conservative change, it occurs at a poorly conserved position in the protein, it is predicted to be benign by multiple in silico algorithms, and/or has population frequency not consistent with disease.